The following is an entry in ClinVar:

ClinVar aggregate classification (germline): Uncertain significance (1 of 4 stars; one submission).

Conditions:
Long QT syndrome (LQTS). Identifiers: MedGen C0023976, MeSH D008133, MONDO:0002442. Disease mechanism: loss of function. Inheritance: Various modes of inheritance.

Submission:

Labcorp Genetics (formerly Invitae), Labcorp
Classification: Uncertain significance for Long QT syndrome. Last evaluated: 2021-03-13. Review status: criteria provided, single submitter. Criteria: Invitae Variant Classification Sherloc (09022015). Collection method: clinical testing. Allele origin: germline.
Comment: In summary, the available evidence is currently insufficient to determine the role of this variant in disease. Therefore, it has been classified as a Variant of Uncertain Significance. Algorithms developed to predict the effect of missense changes on protein structure and function (SIFT, PolyPhen-2, Align-GVGD) all suggest that this variant is likely to be tolerated, but these predictions have not been confirmed by published functional studies and their clinical significance is uncertain. This variant has not been reported in the literature in individuals with CACNA1C-related conditions. This variant is not present in population databases (ExAC no frequency). This sequence change replaces lysine with threonine at codon 803 of the CACNA1C protein (p.Lys803Thr). The lysine residue is moderately conserved and there is a moderate physicochemical difference between lysine and threonine.

NM_000719.7(CACNA1C):c.2408A>C (p.Lys803Thr)

Gene: CACNA1C (calcium voltage-gated channel subunit alpha1 C; plus strand). Cytogenetic location: 12p13.33.
Variant type: single nucleotide variant.
Coding change: c.2408A>C on transcript NM_000719.7 (MANE Select); coding-DNA position 2408, A replaced by C.
Protein change: p.Lys803Thr; replaces lysine 803 with threonine.
Molecular consequence: missense variant.
Genome position (GRCh38, 1-based): chr12:2,585,444, A>C. VCF-style: chr12-2585444-A-C. GRCh37 (hg19) VCF-style: chr12-2694610-A-C.
Other names: c.2408A>C, p.Lys803Thr (NM_001129827.2, NM_001129829.2, NM_001129830.3 and 18 more transcripts); c.2399A>C, p.Lys800Thr (NM_001129844.2); short protein forms K800T, K803T.
Identifiers: ClinVar variation 1438771 (VCV001438771.9), dbSNP rs2153231657, ClinGen allele CA383371756.